The following is an entry in ClinVar:

NM_003705.5(SLC25A12):c.1855C>G (p.Pro619Ala)

Gene: SLC25A12 (solute carrier family 25 member 12; minus strand). Cytogenetic location: 2q31.1.
Variant type: single nucleotide variant.
Coding change: c.1855C>G on transcript NM_003705.5 (MANE Select); coding-DNA position 1855, C replaced by G.
Protein change: p.Pro619Ala; replaces proline 619 with alanine.
Molecular consequence: missense variant. On other transcripts: non-coding transcript variant (1).
Genome position (GRCh38, 1-based): chr2:171,785,456, G>C on the plus strand (C>G on the coding strand, the complement: SLC25A12 is on the minus strand). VCF-style: chr2-171785456-G-C. GRCh37 (hg19) VCF-style: chr2-172641966-G-C.
Other names: short protein forms P619A.
Identifiers: ClinVar variation 840972 (VCV000840972.9), dbSNP rs1690470559, ClinGen allele CA349287409.
Genomic context (GRCh38, chr2:171,785,456, plus strand): 5'-ATCCACCGATGTGATCAGGGTTGGCAGGAGGAAGGTCTGCAATGCGTGACTTAGGTGTTG[G>C]TTCTGAACCAGCGGGTTTGCTGTTGACAGAAAAAAAGCCAATGGTTAGCATGCTCAAGGT-3'
Protein context (NP_003696.2, residues 609-629): FGGLKPAGSE[Pro619Ala]TPKSRIADLP

ClinVar aggregate classification (germline): Uncertain significance (1 of 4 stars; one submission).

Submission:

Labcorp Genetics (formerly Invitae), Labcorp
Classification: Uncertain significance. Last evaluated: 2023-09-04. Review status: criteria provided, single submitter. Criteria: Invitae Variant Classification Sherloc (09022015). Collection method: clinical testing. Allele origin: germline.
Comment: Advanced modeling of protein sequence and biophysical properties (such as structural, functional, and spatial information, amino acid conservation, physicochemical variation, residue mobility, and thermodynamic stability) performed at Invitae indicates that this missense variant is not expected to disrupt SLC25A12 protein function. In summary, the available evidence is currently insufficient to determine the role of this variant in disease. Therefore, it has been classified as a Variant of Uncertain Significance. ClinVar contains an entry for this variant (Variation ID: 840972). This variant has not been reported in the literature in individuals affected with SLC25A12-related conditions. This variant is not present in population databases (gnomAD no frequency). This sequence change replaces proline, which is neutral and non-polar, with alanine, which is neutral and non-polar, at codon 619 of the SLC25A12 protein (p.Pro619Ala).